The following is an entry in ClinVar:

NM_012108.4(STAP1):c.86A>C (p.Glu29Ala)

Gene: STAP1 (signal transducing adaptor family member 1; plus strand). Cytogenetic location: 4q13.2.
Variant type: single nucleotide variant.
Coding change: c.86A>C on transcript NM_012108.4 (MANE Select); coding-DNA position 86, A replaced by C.
Protein change: p.Glu29Ala; replaces glutamic acid 29 with alanine.
Molecular consequence: missense variant.
Genome position (GRCh38, 1-based): chr4:67,558,895, A>C. VCF-style: chr4-67558895-A-C. GRCh37 (hg19) VCF-style: chr4-68424613-A-C.
Other names: c.86A>C, p.Glu29Ala (NM_001317769.2); short protein forms E29A.
Identifiers: ClinVar variation 3226198 (VCV003226198.1), dbSNP rs1727272416, ClinGen allele CA357044548.

ClinVar aggregate classification (germline): Uncertain significance (1 of 4 stars; one submission).

Allele frequency attached by ClinVar (database versions not stated): TOPMed below 0.00001.

Submission:

Ambry Genetics
Classification: Uncertain significance. Last evaluated: 2024-02-06. Review status: criteria provided, single submitter. Criteria: Ambry Variant Classification Scheme 2023. Collection method: clinical testing. Allele origin: germline.
Comment: The p.E29A variant (also known as c.86A>C), located in coding exon 1 of the STAP1 gene, results from an A to C substitution at nucleotide position 86. The glutamic acid at codon 29 is replaced by alanine, an amino acid with dissimilar properties. This amino acid position is conserved. In addition, the in silico prediction for this alteration is inconclusive. Based on the available evidence, the clinical significance of this alteration remains unclear.